The following is an entry in ClinVar:

NM_000222.3(KIT):c.1312A>G (p.Ile438Val)

Gene: KIT (KIT proto-oncogene, receptor tyrosine kinase; plus strand). Cytogenetic location: 4q12.
Variant type: single nucleotide variant.
Coding change: c.1312A>G on transcript NM_000222.3 (MANE Select); coding-DNA position 1312, A replaced by G.
Protein change: p.Ile438Val; replaces isoleucine 438 with valine.
Molecular consequence: missense variant.
Genome position (GRCh38, 1-based): chr4:54,723,664, A>G. VCF-style: chr4-54723664-A-G. GRCh37 (hg19) VCF-style: chr4-55589830-A-G.
Other names: c.1312A>G, p.Ile438Val (NM_001093772.2, NM_001385285.1, NM_001385286.1); c.1315A>G, p.Ile439Val (NM_001385284.1, NM_001385288.1, NM_001385290.1 and 1 more transcripts); short protein forms I438V, I439V.
Identifiers: ClinVar variation 573755 (VCV000573755.17), dbSNP rs780382854, ClinGen allele CA2923452.
Genomic context (GRCh38, chr4:54,723,664, plus strand): 5'-TACGACAGGCTCGTGAATGGCATGCTCCAATGTGTGGCAGCAGGATTCCCAGAGCCCACA[A>G]TAGATTGGTATTTTTGTCCAGGAACTGAGCAGAGGTGAGATGATTATTTTTGGCACTGCT-3'
Protein context (NP_000213.1, residues 428-448): CVAAGFPEPT[Ile438Val]DWYFCPGTEQ

ClinVar aggregate classification (germline): Conflicting classifications of pathogenicity. Review status: criteria provided, conflicting classifications (1 of 4 stars). 4 submissions from 4 submitters: Uncertain significance (2); Benign (1); Likely benign (1). Last evaluated 2024-04-16.

Conditions:
Ovarian cancer. Also called: OVARIAN CANCER, SOMATIC. Identifiers: Orphanet 213500, MedGen C1140680, MONDO:0008170, OMIM 167000.
Hereditary cancer-predisposing syndrome. Also called: Hereditary Cancer Syndrome; Tumor predisposition; Neoplastic Syndromes, Hereditary; Hereditary neoplastic syndrome. Identifiers: Orphanet 140162, MedGen C0027672, MeSH D009386, MONDO:0015356.
Gastrointestinal stromal tumor. Also called: Gastrointestinal stromal tumor, somatic; Gastrointestinal stroma tumor. Identifiers: Orphanet 44890, MedGen C0238198, MeSH D046152, MONDO:0011719, OMIM 606764, HP:0100723.

Allele frequency attached by ClinVar (database versions not stated): gnomAD exomes below 0.00001 and 0.00001; gnomAD 0.00001; ExAC 0.00002.
gnomAD v4.1: 9 of 1,613,846 alleles (0.00056%); highest among the groups gnomAD compares: South Asian, 0.0066%; no homozygotes.

Submissions (4):

Ambry Genetics
Classification: Likely benign for Hereditary cancer-predisposing syndrome. Last evaluated: 2024-04-16. Review status: criteria provided, single submitter. Criteria: Ambry Variant Classification Scheme 2023. Collection method: clinical testing. Allele origin: germline.

Labcorp Genetics (formerly Invitae), Labcorp
Classification: Uncertain significance for Gastrointestinal stromal tumor. Last evaluated: 2024-03-06. Review status: criteria provided, single submitter. Criteria: Invitae Variant Classification Sherloc (09022015). Collection method: clinical testing. Allele origin: germline.
Comment: This sequence change replaces isoleucine, which is neutral and non-polar, with valine, which is neutral and non-polar, at codon 438 of the KIT protein (p.Ile438Val). This variant is present in population databases (rs780382854, gnomAD 0.006%). This variant has not been reported in the literature in individuals affected with KIT-related conditions. ClinVar contains an entry for this variant (Variation ID: 573755). Algorithms developed to predict the effect of missense changes on protein structure and function output the following: SIFT: "Not Available"; PolyPhen-2: "Benign"; Align-GVGD: "Not Available". The valine amino acid residue is found in multiple mammalian species, which suggests that this missense change does not adversely affect protein function. In summary, the available evidence is currently insufficient to determine the role of this variant in disease. Therefore, it has been classified as a Variant of Uncertain Significance.

Baylor Genetics
Classification: Uncertain significance for Gastrointestinal stromal tumor. Last evaluated: 2023-05-10. Review status: criteria provided, single submitter. Criteria: ACMG Guidelines, 2015. Collection method: clinical testing. Allele origin: unknown.

Laboratory of Molecular Epidemiology of Birth Defects, West China Second University Hospital, Sichuan University
Classification: Benign for Ovarian cancer. Last evaluated: 2022-01-01. Review status: criteria provided, single submitter. Criteria: ACMG Guidelines, 2015. Collection method: clinical testing. Allele origin: germline. Affected: yes.